The following is an entry in ClinVar:

NM_001042492.3(NF1):c.3790G>C (p.Glu1264Gln)

Gene: NF1 (neurofibromin 1; plus strand). Cytogenetic location: 17q11.2.
Variant type: single nucleotide variant.
Coding change: c.3790G>C on transcript NM_001042492.3 (MANE Select); coding-DNA position 3790, G replaced by C.
Protein change: p.Glu1264Gln; replaces glutamic acid 1264 with glutamine.
Molecular consequence: missense variant.
Genome position (GRCh38, 1-based): chr17:31,235,692, G>C. VCF-style: chr17-31235692-G-C. GRCh37 (hg19) VCF-style: chr17-29562710-G-C.
Other names: c.3790G>C, p.Glu1264Gln (NM_000267.4); short protein forms E1264Q.
Identifiers: ClinVar variation 1734951 (VCV001734951.2), dbSNP rs863224660, ClinGen allele CA398992615.

ClinVar aggregate classification (germline): Uncertain significance (1 of 4 stars; one submission).

Conditions:
Hereditary cancer-predisposing syndrome. Also called: Neoplastic Syndromes, Hereditary; Tumor predisposition; Hereditary Cancer Syndrome; Hereditary neoplastic syndrome. Identifiers: Orphanet 140162, MedGen C0027672, MeSH D009386, MONDO:0015356.
Cardiovascular phenotype. Identifiers: MedGen CN230736.

Submission:

Ambry Genetics
Classification: Uncertain significance for Cardiovascular phenotype; Hereditary cancer-predisposing syndrome. Last evaluated: 2021-11-03. Review status: criteria provided, single submitter. Criteria: Ambry Variant Classification Scheme 2023. Collection method: clinical testing. Allele origin: germline.
Comment: The p.E1264Q variant (also known as c.3790G>C), located in coding exon 28 of the NF1 gene, results from a G to C substitution at nucleotide position 3790. The glutamic acid at codon 1264 is replaced by glutamine, an amino acid with highly similar properties. This amino acid position is highly conserved in available vertebrate species. In addition, this alteration is predicted to be deleterious by in silico analysis. Since supporting evidence is limited at this time, the clinical significance of this alteration remains unclear.